The following is an entry in ClinVar:

ClinVar aggregate classification (germline): Uncertain significance (1 of 4 stars; one submission).

Submission:

Ambry Genetics
Classification: Uncertain significance. Last evaluated: 2021-06-30. Review status: criteria provided, single submitter. Criteria: Ambry Variant Classification Scheme 2023. Collection method: clinical testing. Allele origin: germline.
Comment: The p.R78G variant (also known as c.232C>G), located in coding exon 1 of the GALNT12 gene, results from a C to G substitution at nucleotide position 232. The arginine at codon 78 is replaced by glycine, an amino acid with dissimilar properties. This amino acid position is conserved. In addition, this alteration is predicted to be tolerated by in silico analysis. Since supporting evidence is limited at this time, the clinical significance of this alteration remains unclear.

NM_024642.5(GALNT12):c.232C>G (p.Arg78Gly)

Gene: GALNT12 (polypeptide N-acetylgalactosaminyltransferase 12; plus strand). Cytogenetic location: 9q22.33.
Variant type: single nucleotide variant.
Coding change: c.232C>G on transcript NM_024642.5 (MANE Select); coding-DNA position 232, C replaced by G.
Protein change: p.Arg78Gly; replaces arginine 78 with glycine.
Molecular consequence: missense variant.
Genome position (GRCh38, 1-based): chr9:98,807,930, C>G. VCF-style: chr9-98807930-C-G. GRCh37 (hg19) VCF-style: chr9-101570212-C-G.
Other names: short protein forms R78G.
Identifiers: ClinVar variation 1789694 (VCV001789694.2), dbSNP rs1467453647, ClinGen allele CA374222571.